The following is an entry in ClinVar:

ClinVar aggregate classification (germline): Uncertain significance (1 of 4 stars; one submission).

Conditions:
Hereditary cancer-predisposing syndrome. Also called: Tumor predisposition; Hereditary neoplastic syndrome; Hereditary Cancer Syndrome; Neoplastic Syndromes, Hereditary. Identifiers: Orphanet 140162, MedGen C0027672, MeSH D009386, MONDO:0015356.

Submission:

Ambry Genetics
Classification: Uncertain significance for Hereditary cancer-predisposing syndrome. Last evaluated: 2025-06-09. Review status: criteria provided, single submitter. Criteria: Ambry Variant Classification Scheme 2023. Collection method: clinical testing. Allele origin: germline.
Comment: The p.D534A variant (also known as c.1601A>C), located in coding exon 11 of the PMS2 gene, results from an A to C substitution at nucleotide position 1601. The aspartic acid at codon 534 is replaced by alanine, an amino acid with dissimilar properties. This amino acid position is conserved. In addition, this alteration is predicted to be tolerated by in silico analysis. Based on the available evidence, the clinical significance of this variant remains unclear.

NM_000535.7(PMS2):c.1601A>C (p.Asp534Ala)

Gene: PMS2 (PMS1 homolog 2, mismatch repair system component; minus strand). Cytogenetic location: 7p22.1.
Variant type: single nucleotide variant.
Coding change: c.1601A>C on transcript NM_000535.7 (MANE Select); coding-DNA position 1601, A replaced by C.
Protein change: p.Asp534Ala; replaces aspartic acid 534 with alanine.
Molecular consequence: missense variant. On other transcripts: non-coding transcript variant (1), intron variant (1).
Genome position (GRCh38, 1-based): chr7:5,987,164, T>G on the plus strand (A>C on the coding strand, the complement: PMS2 is on the minus strand). VCF-style: chr7-5987164-T-G. GRCh37 (hg19) VCF-style: chr7-6026795-T-G.
Other names: c.1040A>C, p.Asp347Ala (NM_001322010.2, NM_001406906.1, NM_001406907.1); c.668A>C, p.Asp223Ala (NM_001322011.2, NM_001322012.2); c.1028A>C, p.Asp343Ala (NM_001322013.2, NM_001406909.1); c.1601A>C, p.Asp534Ala (NM_001322014.2, NM_001406871.1, NM_001406872.1); c.1292A>C, p.Asp431Ala (NM_001322015.2, NM_001406880.1, NM_001406881.1 and 5 more transcripts); c.1787A>C, p.Asp596Ala (NM_001406866.1); c.1625A>C, p.Asp542Ala (NM_001406868.1); c.1493A>C, p.Asp498Ala (NM_001406869.1); and 13 more; short protein forms D363A, D422A, D431A, D498A, D596A, D277A, D428A, D468A.
Identifiers: ClinVar variation 3935159 (VCV003935159.1).